The following is an entry in ClinVar:

NM_001349232.2(ATG7):c.2080-4G>A

Gene: ATG7 (autophagy related 7; plus strand). Cytogenetic location: 3p25.3.
Variant type: single nucleotide variant.
Coding change: c.2080-4G>A on transcript NM_001349232.2 (MANE Select); 4 bases into the intron before coding-DNA position 2080, G replaced by A.
Molecular consequence: intron variant.
Genome position (GRCh38, 1-based): chr3:11,554,807, G>A. VCF-style: chr3-11554807-G-A. GRCh37 (hg19) VCF-style: chr3-11596281-G-A.
Other names: c.1147-9452G>A (NM_001349238.2); c.2080-4G>A (NM_001349233.2, NM_001349235.2, NM_001349234.2 and 1 more transcripts); c.1999-4G>A (NM_001136031.3); c.1921-4G>A (NM_001349237.2); c.1963-4G>A (NM_001349236.2); c.1840-4G>A (NM_001144912.2).
Identifiers: ClinVar variation 4999552 (VCV004999552.1).
Genomic context (GRCh38, chr3:11,554,807, plus strand): 5'-CATCTGTGTGCCCCCCACCGGGCAGTGGGACATCTCGGCTGAGCCTCTCCCCTTCTCCAT[G>A]CAGATCTGGGACATGAGCGATGATGAGACCATCTGAGATGGCCCCGCTGTGGGGCTGACT-3'

ClinVar aggregate classification (germline): Likely benign (1 of 4 stars; one submission).

Conditions:
ATG7-related disorder. Also called: ATG7-related condition.

gnomAD v4.1: 10 of 1,613,332 alleles (0.00062%); highest among the groups gnomAD compares: Admixed American, 0.015%; no homozygotes.

Submission:

PreventionGenetics, part of Exact Sciences
Classification: Likely benign for ATG7-related condition. Last evaluated: 2025-02-17. Review status: criteria provided, single submitter. Criteria: ACMG Guidelines, 2015. Collection method: clinical testing. Allele origin: germline.
Comment: This variant is classified as likely benign based on ACMG/AMP sequence variant interpretation guidelines (Richards et al. 2015 PMID: 25741868, with internal and published modifications).